The following is an entry in ClinVar:

ClinVar aggregate classification (germline): Pathogenic/Likely pathogenic. Review status: criteria provided, multiple submitters, no conflicts (2 of 4 stars). 4 submissions from 4 submitters: Pathogenic (3); Likely pathogenic (1). Last evaluated 2024-05-18.

Conditions:
Fructose-biphosphatase deficiency (FBP1D). Also called: Fructose 1,6 Bisphosphatase Deficiency; Fructose-1,6-Bisphosphatase 1 Deficiency; Fructose-1,6-Diphosphatase Deficiency. Identifiers: Orphanet 348, MedGen C0016756, MONDO:0009251, OMIM 229700.

Submissions (4):

Fulgent Genetics
Classification: Pathogenic for Fructose-biphosphatase deficiency. Last evaluated: 2024-05-18. Review status: criteria provided, single submitter. Criteria: ACMG Guidelines, 2015. Collection method: clinical testing. Allele origin: germline.

Labcorp Genetics (formerly Invitae), Labcorp
Classification: Pathogenic for Fructose-biphosphatase deficiency. Last evaluated: 2023-08-23. Review status: criteria provided, single submitter. Criteria: Invitae Variant Classification Sherloc (09022015). Collection method: clinical testing. Allele origin: germline.
Comment: This sequence change creates a premature translational stop signal (p.Pro235Glnfs*42) in the FBP1 gene. While this is not anticipated to result in nonsense mediated decay, it is expected to disrupt the last 104 amino acid(s) of the FBP1 protein. This variant is not present in population databases (gnomAD no frequency). This premature translational stop signal has been observed in individual(s) with fructose-1,6-bisphosphatase deficiency (PMID: 28420223, 29203193). In at least one individual the data is consistent with being in trans (on the opposite chromosome) from a pathogenic variant. It has also been observed to segregate with disease in related individuals. ClinVar contains an entry for this variant (Variation ID: 403705). Algorithms developed to predict the effect of variants on protein structure and function are not available or were not evaluated for this variant. Experimental studies have shown that this premature translational stop signal affects FBP1 function (PMID: 28420223). For these reasons, this variant has been classified as Pathogenic.

Center for Molecular Medicine, Children’s Hospital of Fudan University
Classification: Likely pathogenic for Fructose-biphosphatase deficiency. Last evaluated: 2022-12-21. Review status: criteria provided, single submitter. Criteria: ACMG Guidelines, 2015. Collection method: clinical testing. Allele origin: paternal. Affected: yes. Observed: 1 variant allele.

Department of Medical Genetics, International Peace Maternity and Child Health Hospital, Shanghai Jiao Tong University School of Medicine
Classification: Pathogenic for Fructose-biphosphatase deficiency. Last evaluated: 2017-03-27. Review status: criteria provided, single submitter. Criteria: ACMG Guidelines, 2015. Collection method: clinical testing, in vitro. Allele origin: germline, not applicable. Inheritance: Autosomal recessive inheritance. Affected: yes. Observed: 1 variant allele, 1 compound heterozygote. Functional consequence: protein loss of function.

Literature cited by the submitters: PubMed 28420223 (cited by Labcorp Genetics (formerly Invitae), Labcorp); PubMed 29203193 (cited by Labcorp Genetics (formerly Invitae), Labcorp).

NM_000507.4(FBP1):c.704del (p.Pro235fs)

Gene: FBP1 (fructose-bisphosphatase 1; minus strand). Cytogenetic location: 9q22.32.
Variant type: Deletion.
Coding change: c.704del on transcript NM_000507.4 (MANE Select); coding-DNA position 704, one base deleted (C; older notation c.704delC).
Protein change: p.Pro235fs; shifts the reading frame from proline 235.
Molecular consequence: frameshift variant.
Genome position (GRCh38, 1-based): chr9:94,606,816, G deleted on the plus strand (C on the coding strand, the reverse complement: FBP1 is on the minus strand); the first of 6 consecutive G bases (chr9:94,606,816-94,606,821); deleting any one gives the same sequence. VCF-style (leftmost placement, unchanged base first): chr9-94606815-TG-T. GRCh37 (hg19) VCF-style: chr9-97369097-TG-T.
Other names: c.704del, p.Pro235fs (NM_001127628.2); short protein forms P235fs.
Identifiers: ClinVar variation 403705 (VCV000403705.9), dbSNP rs774362519, ClinGen allele CA16609831.